The following is an entry in ClinVar:

NM_019842.4(KCNQ5):c.2120C>G (p.Pro707Arg)

Gene: KCNQ5 (potassium voltage-gated channel subfamily Q member 5; plus strand). Cytogenetic location: 6q13.
Variant type: single nucleotide variant.
Coding change: c.2120C>G on transcript NM_019842.4 (MANE Select); coding-DNA position 2120, C replaced by G.
Protein change: p.Pro707Arg; replaces proline 707 with arginine.
Molecular consequence: missense variant.
Genome position (GRCh38, 1-based): chr6:73,194,735, C>G. VCF-style: chr6-73194735-C-G. GRCh37 (hg19) VCF-style: chr6-73904458-C-G.
Other names: c.2093C>G, p.Pro698Arg (NM_001160130.2); c.2150C>G, p.Pro717Arg (NM_001160132.2); c.2177C>G, p.Pro726Arg (NM_001160133.2); c.1790C>G, p.Pro597Arg (NM_001160134.2); short protein forms P597R, P698R, P707R, P717R, P726R.
Identifiers: ClinVar variation 2663751 (VCV002663751.2), dbSNP rs1765719078, ClinGen allele CA364695286.

ClinVar aggregate classification (germline): Uncertain significance (1 of 4 stars; one submission).

Submission:

GeneDx
Classification: Uncertain significance. Last evaluated: 2025-03-18. Review status: criteria provided, single submitter. Criteria: GeneDx Variant Classification Process June 2021. Collection method: clinical testing. Allele origin: germline.
Comment: Not observed at significant frequency in large population cohorts (gnomAD); In silico analysis supports that this missense variant has a deleterious effect on protein structure/function; Has not been previously published as pathogenic or benign to our knowledge